The following is an entry in ClinVar:

ClinVar aggregate classification (germline): Uncertain significance (1 of 4 stars; one submission).

Allele frequency attached by ClinVar (database versions not stated): TOPMed below 0.00001.

Submission:

Ambry Genetics
Classification: Uncertain significance. Last evaluated: 2024-06-08. Review status: criteria provided, single submitter. Criteria: Ambry Variant Classification Scheme 2023. Collection method: clinical testing. Allele origin: germline.
Comment: The p.N194D variant (also known as c.580A>G), located in coding exon 1 of the PALLD gene, results from an A to G substitution at nucleotide position 580. The asparagine at codon 194 is replaced by aspartic acid, an amino acid with highly similar properties. This amino acid position is conserved. In addition, this alteration is predicted to be tolerated by in silico analysis. Since supporting evidence is limited at this time, the clinical significance of this alteration remains unclear.

NM_001166108.2(PALLD):c.580A>G (p.Asn194Asp)

Gene: PALLD (palladin, cytoskeletal associated protein; plus strand). Cytogenetic location: 4q32.3.
Variant type: single nucleotide variant.
Coding change: c.580A>G on transcript NM_001166108.2 (MANE Select); coding-DNA position 580, A replaced by G.
Protein change: p.Asn194Asp; replaces asparagine 194 with aspartic acid.
Molecular consequence: missense variant.
Genome position (GRCh38, 1-based): chr4:168,512,084, A>G. VCF-style: chr4-168512084-A-G. GRCh37 (hg19) VCF-style: chr4-169433235-A-G.
Other names: c.580A>G, p.Asn194Asp (NM_016081.4); short protein forms N194D.
Identifiers: ClinVar variation 1749829 (VCV001749829.3), dbSNP rs1762576287, ClinGen allele CA358726330.